The following is an entry in ClinVar:

ClinVar aggregate classification (germline): Uncertain significance (1 of 4 stars; one submission).

Allele frequency attached by ClinVar (database versions not stated): ESP Exome Variant Server 0.00008; gnomAD 0.00010; gnomAD exomes 0.00019; ExAC 0.00058; 1000 Genomes Project 30x 0.00094; 1000 Genomes Project 0.00100.
gnomAD v4.1: 290 of 1,613,714 alleles (0.018%); highest among the groups gnomAD compares: South Asian, 0.28%; 6 homozygotes.

Submission:

Ambry Genetics
Classification: Uncertain significance. Last evaluated: 2023-03-02. Review status: criteria provided, single submitter. Criteria: Ambry Variant Classification Scheme 2023. Collection method: clinical testing. Allele origin: germline.
Comment: The p.V2291M variant (also known as c.6871G>A), located in coding exon 24 of the POLQ gene, results from a G to A substitution at nucleotide position 6871. The valine at codon 2291 is replaced by methionine, an amino acid with highly similar properties. This amino acid position is conserved. In addition, this alteration is predicted to be tolerated by in silico analysis. Since supporting evidence is limited at this time, the clinical significance of this alteration remains unclear.

NM_199420.4(POLQ):c.6871G>A (p.Val2291Met)

Gene: POLQ (DNA polymerase theta; minus strand). Cytogenetic location: 3q13.33.
Variant type: single nucleotide variant.
Coding change: c.6871G>A on transcript NM_199420.4 (MANE Select); coding-DNA position 6871, G replaced by A.
Protein change: p.Val2291Met; replaces valine 2291 with methionine.
Molecular consequence: missense variant.
Genome position (GRCh38, 1-based): chr3:121,467,615, C>T on the plus strand (G>A on the coding strand, the complement: POLQ is on the minus strand). VCF-style: chr3-121467615-C-T. GRCh37 (hg19) VCF-style: chr3-121186462-C-T.
Other names: short protein forms V2291M.
Identifiers: ClinVar variation 2449122 (VCV002449122.2), dbSNP rs371518241, ClinGen allele CA2562328.